The following is an entry in ClinVar:

ClinVar aggregate classification (germline): Uncertain significance. Review status: criteria provided, multiple submitters, no conflicts (2 of 4 stars). 3 submissions from 3 submitters: Uncertain significance (3). Last evaluated 2024-12-18.

Conditions:
CNGA3-related disorder. Also called: CNGA3-related condition.

Allele frequency attached by ClinVar (database versions not stated): gnomAD exomes 0.00002; ExAC 0.00003; gnomAD 0.00003; TOPMed 0.00004.
gnomAD v4.1: 32 of 1,613,740 alleles (0.002%); highest among the groups gnomAD compares: Middle Eastern, 0.016%; no homozygotes.

Submissions (3):

PreventionGenetics, part of Exact Sciences
Classification: Uncertain significance for CNGA3-related condition. Last evaluated: 2024-12-18. Review status: criteria provided, single submitter. Criteria: ACMG Guidelines, 2015. Collection method: clinical testing. Allele origin: germline.
Comment: The CNGA3 c.1856C>T variant is predicted to result in the amino acid substitution p.Ala619Val. This variant has been reported in the absence of a second CNGA3 variant in an individual with cone dystrophy (Thiadens et al. 2010. PubMed ID: 20079539). This variant is present in 0.0058% of alleles in individuals of Latino descent in gnomAD. At this time, the clinical significance of this variant is uncertain due to the absence of conclusive functional and genetic evidence.

Blueprint Genetics
Classification: Uncertain significance. Last evaluated: 2024-05-06. Review status: criteria provided, single submitter. Criteria: ACMG Guidelines, 2015. Collection method: clinical testing. Allele origin: germline.

Labcorp Genetics (formerly Invitae), Labcorp
Classification: Uncertain significance. Last evaluated: 2023-08-04. Review status: criteria provided, single submitter. Criteria: Invitae Variant Classification Sherloc (09022015). Collection method: clinical testing. Allele origin: germline.
Comment: In summary, the available evidence is currently insufficient to determine the role of this variant in disease. Therefore, it has been classified as a Variant of Uncertain Significance. Advanced modeling of protein sequence and biophysical properties (such as structural, functional, and spatial information, amino acid conservation, physicochemical variation, residue mobility, and thermodynamic stability) has been performed at Invitae for this missense variant, however the output from this modeling did not meet the statistical confidence thresholds required to predict the impact of this variant on CNGA3 protein function. ClinVar contains an entry for this variant (Variation ID: 841672). This missense change has been observed in individual(s) with CNGA3-related conditions (PMID: 20079539, 35332618). This variant is present in population databases (rs770308610, gnomAD 0.006%). This sequence change replaces alanine, which is neutral and non-polar, with valine, which is neutral and non-polar, at codon 619 of the CNGA3 protein (p.Ala619Val).

Literature cited by the submitters: PubMed 20079539 (cited by Labcorp Genetics (formerly Invitae), Labcorp); PubMed 35332618 (cited by Labcorp Genetics (formerly Invitae), Labcorp).

NM_001298.3(CNGA3):c.1856C>T (p.Ala619Val)

Gene: CNGA3 (cyclic nucleotide gated channel subunit alpha 3; plus strand). Cytogenetic location: 2q11.2.
Variant type: single nucleotide variant.
Coding change: c.1856C>T on transcript NM_001298.3 (MANE Select); coding-DNA position 1856, C replaced by T.
Protein change: p.Ala619Val; replaces alanine 619 with valine.
Molecular consequence: missense variant.
Genome position (GRCh38, 1-based): chr2:98,397,026, C>T. VCF-style: chr2-98397026-C-T. GRCh37 (hg19) VCF-style: chr2-99013489-C-T.
Other names: c.1802C>T, p.Ala601Val (NM_001079878.2); short protein forms A601V, A619V.
Identifiers: ClinVar variation 841672 (VCV000841672.10), dbSNP rs770308610, ClinGen allele CA1794102.